The following is an entry in ClinVar:

ClinVar aggregate classification (germline): Uncertain significance (1 of 4 stars; one submission).

Conditions:
Immunodeficiency 35 (IMD35). Also called: TYK2 DEFICIENCY; HIES WITH ATYPICAL MYCOBACTERIOSIS, AUTOSOMAL RECESSIVE; HYPER-IgE SYNDROME WITH ATYPICAL MYCOBACTERIOSIS, AUTOSOMAL RECESSIVE; Susceptibility to infection due to TYK2 deficiency. Identifiers: Orphanet 331226, MedGen C1969086, MONDO:0012682, OMIM 611521.

Allele frequency attached by ClinVar (database versions not stated): gnomAD exomes 0.00011 and 0.00012; ExAC 0.00022; gnomAD 0.00006; TOPMed 0.00007.
gnomAD v4.1: 177 of 1,610,652 alleles (0.011%); highest among the groups gnomAD compares: Middle Eastern, 0.016%; no homozygotes.

Submission:

Labcorp Genetics (formerly Invitae), Labcorp
Classification: Uncertain significance for Immunodeficiency 35. Last evaluated: 2021-11-28. Review status: criteria provided, single submitter. Criteria: Invitae Variant Classification Sherloc (09022015). Collection method: clinical testing. Allele origin: germline.
Comment: This sequence change replaces arginine, which is basic and polar, with cysteine, which is neutral and slightly polar, at codon 217 of the TYK2 protein (p.Arg217Cys). This variant is present in population databases (rs754414161, gnomAD 0.02%). This variant has not been reported in the literature in individuals affected with TYK2-related conditions. ClinVar contains an entry for this variant (Variation ID: 655620). Algorithms developed to predict the effect of missense changes on protein structure and function output the following: SIFT: "Not Available"; PolyPhen-2: "Benign"; Align-GVGD: "Not Available". The cysteine amino acid residue is found in multiple mammalian species, which suggests that this missense change does not adversely affect protein function. In summary, the available evidence is currently insufficient to determine the role of this variant in disease. Therefore, it has been classified as a Variant of Uncertain Significance.

NM_003331.5(TYK2):c.649C>T (p.Arg217Cys)

Gene: TYK2 (tyrosine kinase 2; minus strand). Cytogenetic location: 19p13.2.
Variant type: single nucleotide variant.
Coding change: c.649C>T on transcript NM_003331.5 (MANE Select); coding-DNA position 649, C replaced by T.
Protein change: p.Arg217Cys; replaces arginine 217 with cysteine.
Molecular consequence: missense variant.
Genome position (GRCh38, 1-based): chr19:10,365,879, G>A on the plus strand (C>T on the coding strand, the complement: TYK2 is on the minus strand). VCF-style: chr19-10365879-G-A. GRCh37 (hg19) VCF-style: chr19-10476555-G-A.
Other names: c.649C>T (LRG_121t1); short protein forms R217C.
Identifiers: ClinVar variation 655620 (VCV000655620.4), dbSNP rs754414161, ClinGen allele CA9193660.
Genomic context (GRCh38, chr19:10,365,879, plus strand): 5'-CGTTCCGAAGGCGCAGCCGGGTCAGGGCGCTGTGCTGCCGGATATGCCGGCGGAAGGAGC[G>A]CGGGATGCAGTCCTTGAAGCTGGGGGGAAACACAGTGAGGGGCTGGTCAGGGACCTGGGT-3'
Protein context (NP_003322.3, residues 207-227): KKTSFKDCIP[Arg217Cys]SFRRHIRQHS